The following is an entry in ClinVar:

NM_001130438.3(SPTAN1):c.854G>A (p.Arg285Gln)

Gene: SPTAN1 (spectrin alpha, non-erythrocytic 1; plus strand). Cytogenetic location: 9q34.11.
Variant type: single nucleotide variant.
Coding change: c.854G>A on transcript NM_001130438.3 (MANE Select); coding-DNA position 854, G replaced by A.
Protein change: p.Arg285Gln; replaces arginine 285 with glutamine.
Molecular consequence: missense variant.
Genome position (GRCh38, 1-based): chr9:128,577,197, G>A. VCF-style: chr9-128577197-G-A. GRCh37 (hg19) VCF-style: chr9-131339476-G-A.
Other names: c.854G>A, p.Arg285Gln (NM_001195532.2, NM_001363759.2, NM_001363765.2 and 10 more transcripts); c.890G>A, p.Arg297Gln (NM_001375312.2, NM_001375318.1, NM_001438440.1); short protein forms R285Q, R297Q.
Identifiers: ClinVar variation 4801840 (VCV004801840.1).

ClinVar aggregate classification (germline): Uncertain significance (1 of 4 stars; one submission).

Conditions:
Early-infantile DEE. Also called: Early infantile epileptic encephalopathy; Early infantile epileptic encephalopathy with suppression bursts; Ohtahara syndrome. Identifiers: Orphanet 1934, MedGen C0393706, MONDO:0800491.

Submission:

Labcorp Genetics (formerly Invitae), Labcorp
Classification: Uncertain significance for Early-infantile DEE. Last evaluated: 2025-09-21. Review status: criteria provided, single submitter. Criteria: Invitae Variant Classification Sherloc (09022015). Collection method: clinical testing. Allele origin: germline.
Comment: This sequence change replaces arginine, which is basic and polar, with glutamine, which is neutral and polar, at codon 285 of the SPTAN1 protein (p.Arg285Gln). This variant is not present in population databases (gnomAD no frequency). This variant has not been reported in the literature in individuals affected with SPTAN1-related conditions. Invitae Evidence Modeling of protein sequence and biophysical properties (such as structural, functional, and spatial information, amino acid conservation, physicochemical variation, residue mobility, and thermodynamic stability) has been performed for this missense variant. However, the output from this modeling did not meet the statistical confidence thresholds required to predict the impact of this variant on SPTAN1 protein function. In summary, the available evidence is currently insufficient to determine the role of this variant in disease. Therefore, it has been classified as a Variant of Uncertain Significance.